The following is an entry in ClinVar:

Conditions:
Breast-ovarian cancer, familial, susceptibility to, 1 (BROVCA1). Also called: BRCA1 Hereditary Breast and Ovarian Cancer; OVARIAN CANCER, SUSCEPTIBILITY TO. Identifiers: Orphanet 145, MedGen C2676676, MONDO:0011450, OMIM 604370. Disease mechanism: loss of function.

Submission:

Brotman Baty Institute, University of Washington
No classification provided (evidence only). Condition: Breast-ovarian cancer, familial 1. Review status: no classification provided. Collection method: in vitro. Allele origin: not applicable. Functional consequence: functionally_normal.
ClinVar note: "not provided" was previously submitted as the classification for the variant. However, the classification appeared to be based only on an observation of functional data so it was converted to no classification on 2025-07-30.

NM_007294.4(BRCA1):c.5226T>G (p.Asn1742Lys)

Gene: BRCA1 (BRCA1 DNA repair associated; minus strand). Cytogenetic location: 17q21.31.
Variant type: single nucleotide variant.
Coding change: c.5226T>G on transcript NM_007294.4 (MANE Select); coding-DNA position 5226, T replaced by G.
Protein change: p.Asn1742Lys; replaces asparagine 1742 with lysine.
Molecular consequence: missense variant. On other transcripts: non-coding transcript variant (1).
Genome position (GRCh38, 1-based): chr17:43,057,103, A>C on the plus strand (T>G on the coding strand, the complement: BRCA1 is on the minus strand). VCF-style: chr17-43057103-A-C. GRCh37 (hg19) VCF-style: chr17-41209120-A-C.
Other names: c.5013T>G, p.Asn1671Lys (NM_001407571.1, NM_001407900.1, NM_001407902.1 and 12 more transcripts); c.5292T>G, p.Asn1764Lys (NM_001407581.1, NM_001407582.1); c.5289T>G, p.Asn1763Lys (NM_001407583.1, NM_001407585.1, NM_001407587.1 and 1 more transcripts); c.5223T>G, p.Asn1741Lys (NM_001407610.1, NM_001407611.1, NM_001407612.1 and 17 more transcripts); c.5220T>G, p.Asn1740Lys (NM_001407629.1, NM_001407630.1, NM_001407631.1 and 14 more transcripts); c.5166T>G, p.Asn1722Lys (NM_001407649.1); c.5148T>G, p.Asn1716Lys (NM_001407652.1, NM_001407653.1, NM_001407654.1 and 1 more transcripts); c.5145T>G, p.Asn1715Lys (NM_001407656.1, NM_001407657.1, NM_001407658.1); and 72 more; short protein forms N1763K, N638K, N1695K, N1742K, N1573K, N1615K, N1629K, N1631K.
Identifiers: ClinVar variation 865180 (VCV000865180.3), dbSNP rs2051517669, ClinGen allele CA10591091.
Genomic context (GRCh38, chr17:43,057,103, plus strand): 5'-GAGCTTTACCTTTCTGTCCTGGGATTCTCTTGCTCGCTTTGGACCTTGGTGGTTTCTTCC[A>C]TTGACCACATCTCCTCTGACTTCAAAATCATGCTGAAAGAAACCAAACACAACCCATCAG-3'
Protein context (NP_009225.1, residues 1732-1752): HDFEVRGDVV[Asn1742Lys]GRNHQGPKRA